The following is an entry in ClinVar:

ClinVar aggregate classification (germline): Likely pathogenic (1 of 4 stars; one submission).

Conditions:
Neurofibromatosis, type 1 (NF1). Also called: VON RECKLINGHAUSEN DISEASE; NEUROFIBROMATOSIS, TYPE I, SOMATIC; Peripheral type neurofibromatosis; Neurofibromatosis, type I. Identifiers: Orphanet 636, MedGen C0027831, MONDO:0018975, OMIM 162200. Disease mechanism: loss of function.

Submission:

Labcorp Genetics (formerly Invitae), Labcorp
Classification: Likely pathogenic for Neurofibromatosis, type 1. Last evaluated: 2019-07-18. Review status: criteria provided, single submitter. Criteria: Invitae Variant Classification Sherloc (09022015). Collection method: clinical testing. Allele origin: germline.
Comment: This variant is a deletion of the genomic region encompassing part of exon 42 and exons 43-45 (c.6444_6858+170del) of the NF1 gene. It is expected to disrupt RNA splicing and likely results in an absent or disrupted protein product. Loss-of-function variants in NF1 are known to be pathogenic (PMID: 10712197, 23913538). In summary, the currently available evidence indicates that the variant is pathogenic, but additional data are needed to prove that conclusively. Therefore, this variant has been classified as Likely Pathogenic.

NM_001042492.3(NF1):c.6507_6921+170del

Gene: NF1 (neurofibromin 1; plus strand). Cytogenetic location: 17q11.2.
Variant type: Deletion.
Coding change: c.6507_6921+170del on transcript NM_001042492.3 (MANE Select); coding-DNA position 6507 through 170 bases into the intron after coding-DNA position 6921, 1,529 bases deleted.
Molecular consequence: splice acceptor variant, splice donor variant.
Genome position (GRCh38, 1-based): chr17:31,337,447-31,338,975, 1,529 bases deleted. GRCh37 (hg19): chr17:29,664,465-29,665,993.
Other names: c.6442_6858+168del (NM_000267.3); c.6444_6858+170del (NM_000267.4).
Identifiers: ClinVar variation 948966 (VCV000948966.1), ClinGen allele CA1139665448.